The following is an entry in ClinVar:

ClinVar aggregate classification (germline): Uncertain significance (1 of 4 stars; one submission).

Conditions:
Kleefstra syndrome 2 (KLEFS2). Identifiers: MedGen C4540395, MONDO:0054701, OMIM 617768.

Submission:

Victorian Clinical Genetics Services, Murdoch Childrens Research Institute
Classification: Uncertain significance for Kleefstra syndrome 2. Last evaluated: 2023-07-17. Review status: criteria provided, single submitter. Criteria: ACMG Guidelines, 2015. Collection method: clinical testing. Allele origin: germline. Inheritance: Autosomal dominant inheritance. Affected: yes.
Comment: Based on the classification scheme VCGS_Germline_v1.3.4, this variant is classified as VUS-3B. Following criteria are met: 0102 - Loss of function is a known mechanism of disease in this gene and is associated with Kleefstra syndrome 2 (MIM#617768). (I) 0107 - This gene is associated with autosomal dominant disease. (I) 0200 - Variant is predicted to result in a missense amino acid change from serine to phenylalanine. (I) 0301 - Variant is absent from gnomAD (both v2 and v3). (SP) 0309 - An alternative amino acid change at the same position has been observed in gnomAD (v2) (p.(Ser842Cys): 1 heterozygote, 0 homozygotes). (I) 0502 - Missense variant with conflicting in silico predictions and uninformative conservation. (I) 0604 - Variant is not located in an established domain, motif, hotspot or informative constraint region. (I) 0705 - No comparable missense variants have previous evidence for pathogenicity. (I) 0807 - This variant has no previous evidence of pathogenicity. (I) 0905 - No published segregation evidence has been identified for this variant. (I) 1007 - No published functional evidence has been identified for this variant. (I) 1208 - Inheritance information for this variant is not currently available in this individual. (I) Legend: (SP) - Supporting pathogenic, (I) - Information, (SB) - Supporting benign

NM_170606.3(KMT2C):c.2525C>T (p.Ser842Phe)

Gene: KMT2C (lysine methyltransferase 2C; minus strand). Cytogenetic location: 7q36.1.
Variant type: single nucleotide variant.
Coding change: c.2525C>T on transcript NM_170606.3 (MANE Select); coding-DNA position 2525, C replaced by T.
Protein change: p.Ser842Phe; replaces serine 842 with phenylalanine.
Molecular consequence: missense variant.
Genome position (GRCh38, 1-based): chr7:152,247,909, G>A on the plus strand (C>T on the coding strand, the complement: KMT2C is on the minus strand). VCF-style: chr7-152247909-G-A. GRCh37 (hg19) VCF-style: chr7-151944994-G-A.
Other names: short protein forms S842F.
Identifiers: ClinVar variation 3254801 (VCV003254801.1), dbSNP rs1421714580.
Genomic context (GRCh38, chr7:152,247,909, plus strand): 5'-TTTATAGAATTGTTCCAATATCTTTTCTGTCAATATCATTAAAATCACCCTACCTGTTTG[G>A]ACCGAGGTCTACCAGGAGAAAATTTTCTCTTAGTAATAGCTGGTTTACCCATGCCAATTT-3'
Protein context (NP_733751.2, residues 832-852): KRKFSPGRPR[Ser842Phe]KQGAWSTHNT